The following is an entry in ClinVar:

ClinVar aggregate classification (germline): Likely pathogenic (1 of 4 stars; one submission).

Conditions:
Saldino-Mainzer syndrome (SRTD9). Also called: CONORENAL SYNDROME; SHORT-RIB THORACIC DYSPLASIA 9 WITHOUT POLYDACTYLY; short-rib thoracic dysplasia 9 with or without polydactyly; Renal dysplasia, retinal pigmentary dystrophy, cerebellar ataxia and skeletal dysplasia. Identifiers: Orphanet 140969, MedGen C1849437, MONDO:0009964, OMIM 266920.

Submission:

Labcorp Genetics (formerly Invitae), Labcorp
Classification: Likely pathogenic for Saldino-Mainzer syndrome. Last evaluated: 2025-04-17. Review status: criteria provided, single submitter. Criteria: Invitae Variant Classification Sherloc (09022015). Collection method: clinical testing. Allele origin: germline.
Comment: This sequence change affects an acceptor splice site in intron 4 of the IFT140 gene. It is expected to disrupt RNA splicing. Variants that disrupt the donor or acceptor splice site typically lead to a loss of protein function (PMID: 16199547), and loss-of-function variants in IFT140 are known to be pathogenic (PMID: 22503633, 23418020, 24009529, 26216056). Information on the frequency of this variant in the gnomAD database is not available, as this variant may be reported differently in the database. This variant has not been reported in the literature in individuals affected with IFT140-related conditions. In summary, the currently available evidence indicates that the variant is pathogenic, but additional data are needed to prove that conclusively. Therefore, this variant has been classified as Likely Pathogenic.

Literature cited by the submitters: PubMed 16199547; PubMed 22503633; PubMed 23418020; PubMed 24009529; PubMed 26216056.

NM_014714.4(IFT140):c.370-3_370-1delinsAA

Genes: IFT140 (intraflagellar transport 140; minus strand), LOC105371046 (uncharacterized LOC105371046; plus strand). Cytogenetic location: 16p13.3.
Variant type: Indel.
Coding change: c.370-3_370-1delinsAA on transcript NM_014714.4 (MANE Select); 3 bases into the intron before coding-DNA position 370 through the canonical splice acceptor site of the intron before coding-DNA position 370, CAG replaced by AA.
Molecular consequence: splice acceptor variant.
Genome position (GRCh38, 1-based): chr16:1,592,589-1,592,591, CTG replaced by TT on the plus strand (CAG replaced by AA on the coding strand, the reverse complement: IFT140 is on the minus strand). VCF-style: chr16-1592589-CTG-TT. GRCh37 (hg19) VCF-style: chr16-1642590-CTG-TT.
Identifiers: ClinVar variation 969462 (VCV000969462.6), dbSNP rs2035236903, ClinGen allele CA1139664293.
Genomic context (GRCh38, chr16:1,592,589, plus strand): 5'-CAGAGGCGTCCCTTGCACTCGGCCCCTTTGGTCCAACCTCCACAAGAGCAAGACACCAAG[CTG>TT]GAAAGACCCAACACCACGTGTTAGGACAGGTGTCCCGGCAGAGCGACTGGTGGAGGGACA-3'